The following is an entry in ClinVar:

ClinVar aggregate classification (germline): Uncertain significance. Review status: criteria provided, multiple submitters, no conflicts (2 of 4 stars). 3 submissions from 3 submitters: Uncertain significance (2). 1 of the submissions does not count toward it. Last evaluated 2023-11-14.

Conditions:
Autosomal dominant Parkinson disease 8. Also called: LRRK2-Related Parkinson Disease; Parkinson disease 8; Parkinson disease 8, susceptibility to. Identifiers: Orphanet 411602, MedGen C1846862, MONDO:0011764, OMIM 607060.

Allele frequency attached by ClinVar (database versions not stated): gnomAD 0.00008; TOPMed 0.00008; gnomAD exomes 0.00009; ExAC 0.00010.
gnomAD v4.1: 138 of 1,613,154 alleles (0.0086%); highest among the groups gnomAD compares: Non-Finnish European, 0.011%; no homozygotes.

Submissions (3):

Labcorp Genetics (formerly Invitae), Labcorp
Classification: Uncertain significance for Autosomal dominant Parkinson disease 8. Last evaluated: 2023-11-14. Review status: criteria provided, single submitter. Criteria: Invitae Variant Classification Sherloc (09022015). Collection method: clinical testing. Allele origin: germline.
Comment: This sequence change replaces cysteine, which is neutral and slightly polar, with serine, which is neutral and polar, at codon 228 of the LRRK2 protein (p.Cys228Ser). This variant is present in population databases (rs56108242, gnomAD 0.02%), and has an allele count higher than expected for a pathogenic variant. This missense change has been observed in individual(s) with parkinson disease (PMID: 21885347). ClinVar contains an entry for this variant (Variation ID: 39231). Algorithms developed to predict the effect of missense changes on protein structure and function output the following: SIFT: "Not Available"; PolyPhen-2: "Benign"; Align-GVGD: "Not Available". The serine amino acid residue is found in multiple mammalian species, which suggests that this missense change does not adversely affect protein function. In summary, the available evidence is currently insufficient to determine the role of this variant in disease. Therefore, it has been classified as a Variant of Uncertain Significance.

Fulgent Genetics
Classification: Uncertain significance for Autosomal dominant Parkinson disease 8. Last evaluated: 2021-10-13. Review status: criteria provided, single submitter. Criteria: ACMG Guidelines, 2015. Collection method: clinical testing. Allele origin: unknown.

GeneReviews
No classification provided. Condition: Autosomal dominant Parkinson disease 8. Review status: no classification provided. Collection method: literature only. Allele origin: unknown. Not counted in ClinVar's aggregate classification.

Literature cited by the submitters: PubMed 21885347 (cited by Labcorp Genetics (formerly Invitae), Labcorp); PubMed 20301387 (cited by GeneReviews); NCBI Bookshelf NBK1208 (cited by GeneReviews).

NM_198578.4(LRRK2):c.683G>C (p.Cys228Ser)

Gene: LRRK2 (leucine rich repeat kinase 2; plus strand). Cytogenetic location: 12q12.
Variant type: single nucleotide variant.
Coding change: c.683G>C on transcript NM_198578.4 (MANE Select); coding-DNA position 683, G replaced by C.
Protein change: p.Cys228Ser; replaces cysteine 228 with serine.
Molecular consequence: missense variant.
Genome position (GRCh38, 1-based): chr12:40,240,594, G>C. VCF-style: chr12-40240594-G-C. GRCh37 (hg19) VCF-style: chr12-40634396-G-C.
Other names: short protein forms C228S.
Identifiers: ClinVar variation 39231 (VCV000039231.13), dbSNP rs56108242, ClinGen allele CA343671.